The following is an entry in ClinVar:

ClinVar aggregate classification (germline): Uncertain significance (1 of 4 stars; one submission).

Submission:

GeneDx
Classification: Uncertain significance. Last evaluated: 2019-09-05. Review status: criteria provided, single submitter. Criteria: GeneDx Variant Classification Process June 2021. Collection method: clinical testing. Allele origin: germline. Affected: yes.
Comment: Not observed in large population cohorts (Lek et al., 2016); In silico analysis, which includes protein predictors and evolutionary conservation, supports a deleterious effect; Has not been previously published as pathogenic or benign to our knowledge

NM_001347721.2(DYRK1A):c.323G>A (p.Arg108Gln)

Gene: DYRK1A (dual specificity tyrosine phosphorylation regulated kinase 1A; plus strand). Cytogenetic location: 21q22.13.
Variant type: single nucleotide variant.
Coding change: c.323G>A on transcript NM_001347721.2 (MANE Select); coding-DNA position 323, G replaced by A.
Protein change: p.Arg108Gln; replaces arginine 108 with glutamine.
Molecular consequence: missense variant.
Genome position (GRCh38, 1-based): chr21:37,480,660, G>A. VCF-style: chr21-37480660-G-A. GRCh37 (hg19) VCF-style: chr21-38852962-G-A.
Other names: c.323G>A, p.Arg108Gln (NM_001347722.2, NM_130436.2); c.236G>A, p.Arg79Gln (NM_001347723.2); c.350G>A, p.Arg117Gln (NM_001396.5, NM_101395.2, NM_130438.2); short protein forms R108Q, R117Q, R79Q.
Identifiers: ClinVar variation 1311547 (VCV001311547.2), dbSNP rs2148582050, ClinGen allele CA409943989.